The following is an entry in ClinVar:

NM_006180.6(NTRK2):c.1752G>C (p.Leu584Phe)

Gene: NTRK2 (neurotrophic receptor tyrosine kinase 2; plus strand). Cytogenetic location: 9q21.33.
Variant type: single nucleotide variant.
Coding change: c.1752G>C on transcript NM_006180.6 (MANE Select); coding-DNA position 1752, G replaced by C.
Protein change: p.Leu584Phe; replaces leucine 584 with phenylalanine.
Molecular consequence: missense variant.
Genome position (GRCh38, 1-based): chr9:84,934,280, G>C. VCF-style: chr9-84934280-G-C. GRCh37 (hg19) VCF-style: chr9-87549195-G-C.
Other names: c.1752G>C (NM_006180.4); c.1704G>C, p.Leu568Phe (NM_001018064.3, NM_001369532.1, NM_001369533.1); c.1668G>C, p.Leu556Phe (NM_001369534.1); c.1236G>C, p.Leu412Phe (NM_001369535.1); c.1284G>C, p.Leu428Phe (NM_001369536.1); c.1752G>C, p.Leu584Phe (NM_001381928.1); short protein forms L412F, L584F, L556F, L568F, L428F.
Identifiers: ClinVar variation 2893038 (VCV002893038.4), dbSNP rs745611356, ClinGen allele CA5105828.
Genomic context (GRCh38, chr9:84,934,280, plus strand): 5'-CTTTGGAAAAGTGTTCCTAGCTGAATGCTATAACCTCTGTCCTGAGCAGGACAAGATCTT[G>C]GTGGCAGTGAAGGTAAGAGAACATTCCAGAATGTCTCATTAACCATGATCACACTTACGT-3'
Protein context (NP_006171.2, residues 574-594): YNLCPEQDKI[Leu584Phe]VAVKTLKDAS

ClinVar aggregate classification (germline): Uncertain significance. Review status: criteria provided, multiple submitters, no conflicts (2 of 4 stars). 2 submissions from 2 submitters: Uncertain significance (2). Last evaluated 2024-12-31.

Conditions:
NTRK2-related disorder. Also called: NTRK2-related condition.

Allele frequency attached by ClinVar (database versions not stated): TOPMed below 0.00001; ExAC 0.00001; gnomAD 0.00001; gnomAD exomes 0.00003.
gnomAD v4.1: 46 of 1,613,886 alleles (0.0029%); highest among the groups gnomAD compares: East Asian, 0.1%; no homozygotes.

Submissions (2):

PreventionGenetics, part of Exact Sciences
Classification: Uncertain significance for NTRK2-related condition. Last evaluated: 2024-12-31. Review status: criteria provided, single submitter. Criteria: ACMG Guidelines, 2015. Collection method: clinical testing. Allele origin: germline.
Comment: The NTRK2 c.1752G>C variant is predicted to result in the amino acid substitution p.Leu584Phe. To our knowledge, this variant has not been reported in the literature. This variant is reported in 0.022% of alleles in individuals of East Asian descent in gnomAD. Although we suspect that this variant may be benign, at this time, the clinical significance of this variant is uncertain due to the absence of conclusive functional and genetic evidence.

Labcorp Genetics (formerly Invitae), Labcorp
Classification: Uncertain significance. Last evaluated: 2023-07-30. Review status: criteria provided, single submitter. Criteria: Invitae Variant Classification Sherloc (09022015). Collection method: clinical testing. Allele origin: germline.
Comment: Advanced modeling of protein sequence and biophysical properties (such as structural, functional, and spatial information, amino acid conservation, physicochemical variation, residue mobility, and thermodynamic stability) has been performed at Invitae for this missense variant, however the output from this modeling did not meet the statistical confidence thresholds required to predict the impact of this variant on NTRK2 protein function. In summary, the available evidence is currently insufficient to determine the role of this variant in disease. Therefore, it has been classified as a Variant of Uncertain Significance. This variant has not been reported in the literature in individuals affected with NTRK2-related conditions. This variant is present in population databases (rs745611356, gnomAD 0.02%). This sequence change replaces leucine, which is neutral and non-polar, with phenylalanine, which is neutral and non-polar, at codon 584 of the NTRK2 protein (p.Leu584Phe).